The following is an entry in ClinVar:

ClinVar aggregate classification (germline): Likely benign. Review status: criteria provided, multiple submitters, no conflicts (2 of 4 stars). 3 submissions from 3 submitters: Likely benign (3). Last evaluated 2023-01-01.

Allele frequency attached by ClinVar (database versions not stated): 1000 Genomes Project 30x 0.00125; 1000 Genomes Project 0.00140; ExAC 0.00245; gnomAD exomes 0.00282 and 0.00394; gnomAD 0.00305 and 0.00317; ESP Exome Variant Server 0.00323; TOPMed 0.00338.
gnomAD v4.1: 6,212 of 1,613,390 alleles (0.39%); highest among the groups gnomAD compares: Admixed American, 0.59%; 19 homozygotes.

Submissions (3):

CeGaT Center for Human Genetics Tuebingen
Classification: Likely benign. Last evaluated: 2023-01-01. Review status: criteria provided, single submitter. Criteria: CeGaT Center For Human Genetics Tuebingen Variant Classification Criteria Version 2. Collection method: clinical testing. Allele origin: germline. Affected: yes. Observed: 2 variant alleles.
Comment: SLC9C1: BS2

Labcorp Genetics (formerly Invitae), Labcorp
Classification: Likely benign. Last evaluated: 2017-10-16. Review status: criteria provided, single submitter. Criteria: Invitae Variant Classification Sherloc (09022015). Collection method: clinical testing. Allele origin: germline.

Breakthrough Genomics
Classification: Likely benign. Review status: criteria provided, single submitter. Criteria: ACMG Guidelines, 2015. Collection method: not provided. Allele origin: germline. Inheritance: Unknown mechanism. Affected: yes.

NM_183061.3(SLC9C1):c.2965T>C (p.Cys989Arg)

Gene: SLC9C1 (solute carrier family 9 member C1; minus strand). Cytogenetic location: 3q13.2.
Variant type: single nucleotide variant.
Coding change: c.2965T>C on transcript NM_183061.3 (MANE Select); coding-DNA position 2965, T replaced by C.
Protein change: p.Cys989Arg; replaces cysteine 989 with arginine.
Molecular consequence: missense variant. On other transcripts: non-coding transcript variant (1).
Genome position (GRCh38, 1-based): chr3:112,169,283, A>G on the plus strand (T>C on the coding strand, the complement: SLC9C1 is on the minus strand). VCF-style: chr3-112169283-A-G. GRCh37 (hg19) VCF-style: chr3-111888130-A-G.
Other names: c.2821T>C, p.Cys941Arg (NM_001320531.2); short protein forms C941R, C989R.
Identifiers: ClinVar variation 771856 (VCV000771856.28), dbSNP rs140783319, ClinGen allele CA2538076.
Genomic context (GRCh38, chr3:112,169,283, plus strand): 5'-TTCTGGCTGTAATAGCGAGTCCAAGTTTTAGCCACATTTTTTGTTTAATGAGAGGAGAGC[A>G]TTGCTCAAAAGCATCATACAAGTGAGTTTTGGGAATAAAACATGTCTGGAAAAGAAGGAT-3'
Protein context (NP_898884.1, residues 979-999): KTHLYDAFEQ[Cys989Arg]SPLIKQKMWL